The following is an entry in ClinVar:

ClinVar aggregate classification (germline): Uncertain significance (1 of 4 stars; one submission).

Conditions:
STT3B-congenital disorder of glycosylation. Also called: CDG Ix; Congenital disorder of glycosylation type 1x; STT3B-CDG. Identifiers: Orphanet 370924, MedGen C2931007, MONDO:0014271, OMIM 615597.

gnomAD v4.1: 6 of 1,535,582 alleles (0.00039%); highest among the groups gnomAD compares: Admixed American, 0.012%; no homozygotes.

Submission:

Labcorp Genetics (formerly Invitae), Labcorp
Classification: Uncertain significance for STT3B-congenital disorder of glycosylation. Last evaluated: 2025-06-02. Review status: criteria provided, single submitter. Criteria: Invitae Variant Classification Sherloc (09022015). Collection method: clinical testing. Allele origin: germline.
Comment: This sequence change replaces isoleucine, which is neutral and non-polar, with valine, which is neutral and non-polar, at codon 98 of the STT3B protein (p.Ile98Val). This variant is present in population databases (rs773854046, gnomAD 0.02%). This variant has not been reported in the literature in individuals affected with STT3B-related conditions. An algorithm developed to predict the effect of missense changes on protein structure and function (PolyPhen-2) suggests that this variant is likely to be tolerated. In summary, the available evidence is currently insufficient to determine the role of this variant in disease. Therefore, it has been classified as a Variant of Uncertain Significance.

NM_178862.3(STT3B):c.292A>G (p.Ile98Val)

Genes: STT3B (STT3 oligosaccharyltransferase complex catalytic subunit B; plus strand), LOC129936409 (ATAC-STARR-seq lymphoblastoid silent region 14163; plus strand). Cytogenetic location: 3p23.
Variant type: single nucleotide variant.
Coding change: c.292A>G on transcript NM_178862.3 (MANE Select); coding-DNA position 292, A replaced by G.
Protein change: p.Ile98Val; replaces isoleucine 98 with valine.
Molecular consequence: missense variant.
Genome position (GRCh38, 1-based): chr3:31,533,290, A>G. VCF-style: chr3-31533290-A-G. GRCh37 (hg19) VCF-style: chr3-31574782-A-G.
Other names: short protein forms I98V.
Identifiers: ClinVar variation 4722764 (VCV004722764.1).